The following is an entry in ClinVar:

ClinVar aggregate classification (germline): Uncertain significance (1 of 4 stars; one submission).

Conditions:
UTP4-related disorder. Also called: UTP4-related condition.

gnomAD v4.1: 1 of 1,614,068 alleles (0.000062%); highest among the groups gnomAD compares: Non-Finnish European, 0.000085%; no homozygotes.

Submission:

PreventionGenetics, part of Exact Sciences
Classification: Uncertain significance for UTP4-related condition. Last evaluated: 2025-08-04. Review status: criteria provided, single submitter. Criteria: ACMG Guidelines, 2015. Collection method: clinical testing. Allele origin: germline.
Comment: The UTP4 c.1661G>A variant is predicted to result in the amino acid substitution p.Ser554Asn. To our knowledge, this variant has not been reported in the literature or in a large population database (gnomAD), indicating this variant is rare. At this time, the clinical significance of this variant is uncertain due to the absence of conclusive functional and genetic evidence.

NM_032830.3(UTP4):c.1661G>A (p.Ser554Asn)

Gene: UTP4 (UTP4 small subunit processome component). Cytogenetic location: 16q22.1.
Variant type: single nucleotide variant.
Coding change: c.1661G>A on transcript NM_032830.3 (MANE Select); coding-DNA position 1661, G replaced by A.
Protein change: p.Ser554Asn; replaces serine 554 with asparagine.
Molecular consequence: missense variant.
Genome position (GRCh38, 1-based): chr16:69,165,354, G>A. VCF-style: chr16-69165354-G-A. GRCh37 (hg19) VCF-style: chr16-69199257-G-A.
Other names: c.1412G>A, p.Ser471Asn (NM_001318391.2); short protein forms S471N, S554N.
Identifiers: ClinVar variation 5000476 (VCV005000476.1).
Genomic context (GRCh38, chr16:69,165,354, plus strand): 5'-CTTTCTGAGTACCAGCCTGCATTTCTCTATGTCATGTCCTCCCTCAGGTATTTGAGTACA[G>A]CATCCCAGACAAACAGTATACAGATTGGAGCCGGACTGTCCAGAAGCAGGGCTTTCACCA-3'
Protein context (NP_116219.2, residues 544-564): AHSDQQVFEY[Ser554Asn]IPDKQYTDWS